The following is an entry in ClinVar:

ClinVar aggregate classification (germline): Pathogenic/Likely pathogenic. Review status: criteria provided, multiple submitters, no conflicts (2 of 4 stars). 5 submissions from 5 submitters: Pathogenic (2); Likely pathogenic (3). Last evaluated 2025-12-16.

Conditions:
Hereditary hyperinsulinism.
Hyperinsulinemic hypoglycemia, familial, 1 (HHF1). Also called: Persistent hyperinsulinemic hypoglycemia of infancy; HYPERINSULINISM, FAMILIAL, WITH PANCREATIC NESIDIOBLASTOSIS; HYPOGLYCEMIA, HYPERINSULINEMIC, OF INFANCY; NESIDIOBLASTOSIS OF PANCREAS; Persistent Hyperinsulinemia Hypoglycemia of Infancy. Identifiers: Orphanet 276575, Orphanet 276598, MedGen C2931832, MONDO:0009734, OMIM 256450.
Familial hyperinsulinism. Also called: Congenital hyperinsulinism. Identifiers: Orphanet 276525, MedGen C3888018, MONDO:0017182. Disease mechanism: loss of function.

Allele frequency attached by ClinVar (database versions not stated): gnomAD 0.00001; gnomAD exomes below 0.00001.

Submissions (5):

Natera, Inc.
Classification: Likely pathogenic for Hereditary hyperinsulinism. Last evaluated: 2025-12-16. Review status: criteria provided, single submitter. Criteria: Natera Variant Classification Schema (03/2026). Collection method: clinical testing. Allele origin: germline.
Comment: The c.4252C>T variant in ABCC8 is a missense variant predicted to cause substitution of arginine to cysteine at amino acid 1418. This variant is rare in the general population with a frequency below the threshold expected for the associated phenotype(s). This variant has been observed in one or more individuals affected with the associated recessive disease, as either homozygous or compound heterozygous with a second variant (PMID: 26316440, 35798301, 38033998). A different variant at the same position has been determined to be Pathogenic or Likely Pathogenic. Computational prediction algorithms indicate this variant is likely to affect gene or protein function. Given the available evidence, this variant is classified as Likely Pathogenic.

Myriad Genetics, Inc.
Classification: Likely pathogenic for Hyperinsulinemic hypoglycemia, familial, 1. Last evaluated: 2025-10-09. Review status: criteria provided, single submitter. Criteria: Myriad Autosomal Dominant, Autosomal Recessive and X-Linked Classification Criteria (2023). Collection method: clinical testing. Allele origin: unknown.
Comment: NM_000352.3(ABCC8):c.4252C>T(R1418C) is a missense variant classified as likely pathogenic in the context of familial hyperinsulinism, ABCC8-related. R1418C has been observed in cases with relevant disease (PMID: 14764815, 26316440, 38033998, Park_2022_(article), Ozen_2015_(abstract)). Relevant functional assessments of this variant are not available in the literature. R1418C has been observed in referenced population frequency databases. In summary, NM_000352.3(ABCC8):c.4252C>T(R1418C) is a missense variant that has been observed more frequently in cases with the relevant disease than in healthy populations. Please note: this variant was assessed in the context of healthy population screening.

Women's Health and Genetics/Laboratory Corporation of America, LabCorp
Classification: Likely pathogenic for Familial hyperinsulinism. Last evaluated: 2025-06-17. Review status: criteria provided, single submitter. Criteria: LabCorp Variant Classification Summary - May 2015. Collection method: clinical testing. Allele origin: germline.
Comment: Variant summary: ABCC8 c.4252C>T (p.Arg1418Cys) results in a non-conservative amino acid change located in the ABC transporter-like, ATP-binding domain (IPR003439) of the encoded protein sequence. Algorithms developed to predict the effect of missense changes on protein structure and function all suggest that this variant is likely to be disruptive. The variant allele was found at a frequency of 4.5e-06 in 1560516 control chromosomes. c.4252C>T has been observed in individual(s) affected with Congenital Hyperinsulinism (e.g. Aguilar-Bryan_1999, Giurgea_2004, Bellanne-Chantelot_2010, Khawash_2015). A different variant affecting the same codon has been classified as likely pathogenic by our lab (c.4253G>A, p.Arg1418His), supporting the critical relevance of codon 1418 to ABCC8 protein function. To our knowledge, no experimental evidence demonstrating an impact on protein function has been reported. The following publications have been ascertained in the context of this evaluation (PMID: 10204114, 14764815, 20685672, 26316440). ClinVar contains an entry for this variant (Variation ID: 1338454). Based on the evidence outlined above, the variant was classified as likely pathogenic.

Labcorp Genetics (formerly Invitae), Labcorp
Classification: Pathogenic. Last evaluated: 2025-05-27. Review status: criteria provided, single submitter. Criteria: Invitae Variant Classification Sherloc (09022015). Collection method: clinical testing. Allele origin: germline.
Comment: This sequence change replaces arginine, which is basic and polar, with cysteine, which is neutral and slightly polar, at codon 1418 of the ABCC8 protein (p.Arg1418Cys). The frequency data for this variant in the population databases is considered unreliable, as metrics indicate poor data quality at this position in the gnomAD database. This missense change has been observed in individual(s) with clinical features of autosomal recessive ABCC8-related conditions (PMID: 14764815, 20685672, 26316440, 38033998). In at least one individual the data is consistent with being in trans (on the opposite chromosome) from a pathogenic variant. This variant is also known as p.Arg1419Cys. ClinVar contains an entry for this variant (Variation ID: 1338454). Invitae Evidence Modeling of protein sequence and biophysical properties (such as structural, functional, and spatial information, amino acid conservation, physicochemical variation, residue mobility, and thermodynamic stability) indicates that this missense variant is expected to disrupt ABCC8 protein function with a positive predictive value of 95%. This variant disrupts the p.Arg1418 amino acid residue in ABCC8. Other variant(s) that disrupt this residue have been determined to be pathogenic (PMID: 15579781, 23275527, 23798684, 25720052). This suggests that this residue is clinically significant, and that variants that disrupt this residue are likely to be disease-causing. For these reasons, this variant has been classified as Pathogenic.

Genetic Services Laboratory, University of Chicago
Classification: Pathogenic. Last evaluated: 2018-11-25. Review status: criteria provided, single submitter. Criteria: ACMG Guidelines, 2015. Collection method: clinical testing. Allele origin: germline. Affected: yes.
Comment: DNA sequence analysis of the ABCC8 gene demonstrated a sequence change, c.4252C>T, in exon 35 that results in an amino acid change, p.Arg1418Cys. The p.Arg1418Cys change affects a highly conserved amino acid residue located in a domain of the ABCC8 protein that is known to be functional. The p.Arg1418Cys substitution appears to be deleterious using several in-silico pathogenicity prediction tools (SIFT, PolyPhen2, Align GVGD, REVEL). This sequence change has been described in the gnomAD database with a low population frequency of 0.0031%. This particular amino acid change has been described in the literature in other patients with diffuse congenital hyperinsulinism (CHI) in the compound heterozygous state (PMIDs: 20685672, 26316440). (Note that this variant is referred to as c.4255C>T (p.Arg1419Cys) in the literature, as the literature is using cDNA transcript NM_001287174). Additionally, a different pathogenic sequence change affecting the same amino acid residue (p.Arg1418His) has been described in patients with diffuse hyperinsulinism of infancy (PMID: 15579781). " DNA sequence analysis of the ABCC8 gene demonstrated a sequence change, c.4252C>T, in exon 35 that results in an amino acid change, p.Arg1418Cys. The p.Arg1418Cys change affects a highly conserved amino acid residue located in a domain of the ABCC8 protein that is known to be functional. The p.Arg1418Cys substitution appears to be deleterious using several in-silico pathogenicity prediction tools (SIFT, PolyPhen2, Align GVGD, REVEL). This sequence change has been described in the gnomAD database with a low population frequency of 0.0031%. This particular amino acid change has been described in the literature in other patients with diffuse congenital hyperinsulinism (CHI) in the compound heterozygous state (PMIDs: 20685672, 26316440). (Note that this variant is referred to as c.4255C>T (p.Arg1419Cys) in the literature, as the literature is using cDNA transcript NM_001287174). Additionally, a different pathogenic sequence change affecting the same amino acid residue (p.Arg1418His) has been described in patients with diffuse hyperinsulinism of infancy (PMID: 15579781).

Literature cited by the submitters: PubMed 26316440 (cited by 3 submitters); PubMed 35798301 (cited by Natera, Inc.); PubMed 38033998 (cited by Natera, Inc. and Labcorp Genetics (formerly Invitae), Labcorp); PubMed 10204114 (cited by Women's Health and Genetics/Laboratory Corporation of America, LabCorp); PubMed 14764815 (cited by Women's Health and Genetics/Laboratory Corporation of America, LabCorp and Labcorp Genetics (formerly Invitae), Labcorp); PubMed 20685672 (cited by Women's Health and Genetics/Laboratory Corporation of America, LabCorp and Labcorp Genetics (formerly Invitae), Labcorp); PubMed 15579781 (cited by Labcorp Genetics (formerly Invitae), Labcorp); PubMed 23275527 (cited by Labcorp Genetics (formerly Invitae), Labcorp); PubMed 23798684 (cited by Labcorp Genetics (formerly Invitae), Labcorp); PubMed 25720052 (cited by Labcorp Genetics (formerly Invitae), Labcorp).

NM_000352.6(ABCC8):c.4252C>T (p.Arg1418Cys)

Gene: ABCC8 (ATP binding cassette subfamily C member 8; minus strand). Cytogenetic location: 11p15.1.
Variant type: single nucleotide variant.
Coding change: c.4252C>T on transcript NM_000352.6 (MANE Select); coding-DNA position 4252, C replaced by T.
Protein change: p.Arg1418Cys; replaces arginine 1418 with cysteine.
Molecular consequence: missense variant. On other transcripts: non-coding transcript variant (1).
Genome position (GRCh38, 1-based): chr11:17,395,665, G>A on the plus strand (C>T on the coding strand, the complement: ABCC8 is on the minus strand). VCF-style: chr11-17395665-G-A. GRCh37 (hg19) VCF-style: chr11-17417212-G-A.
Other names: c.4255C>T, p.Arg1419Cys (NM_001287174.3); c.4318C>T, p.Arg1440Cys (NM_001351295.2); c.4252C>T, p.Arg1418Cys (NM_001351296.2); c.4249C>T, p.Arg1417Cys (NM_001351297.2); short protein forms R1417C, R1418C, R1419C, R1440C.
Identifiers: ClinVar variation 1338454 (VCV001338454.11), dbSNP rs1468762603, ClinGen allele CA379786713.
Genomic context (GRCh38, chr11:17,395,665, plus strand): 5'-CTCACCGGATGGTGCCGCTGAAGAGGACGGGGTCCTGCAGGATGATGGAGAGGCGTGAGC[G>A]CAGGGTGTGCAGCGGCAGTTTGGCGATGTCAATGCCATCAATGATGATGTGCCCTGCATG-3'
Protein context (NP_000343.2, residues 1408-1428): DIAKLPLHTL[Arg1418Cys]SRLSIILQDP